The following is an entry in ClinVar:

NM_001754.5(RUNX1):c.1207_1210dup (p.His404fs)

Gene: RUNX1 (RUNX family transcription factor 1; minus strand). Cytogenetic location: 21q22.12.
Variant type: Duplication.
Coding change: c.1207_1210dup on transcript NM_001754.5 (MANE Select); coding-DNA positions 1207 to 1210, 4 bases duplicated (TACC; older notation c.1207_1210dupTACC).
Protein change: p.His404fs; shifts the reading frame from histidine 404.
Molecular consequence: frameshift variant.
Genome position (GRCh38, 1-based): chr21:34,792,368-34,792,371, GGTA duplicated on the plus strand (TACC on the coding strand, the reverse complement: RUNX1 is on the minus strand); duplicating any 4 consecutive bases within chr21:34,792,368-34,792,373 gives the same sequence; the c. name uses the placement nearest the transcript's 3' end. VCF-style (leftmost placement, unchanged base first): chr21-34792367-T-TGGTA. GRCh37 (hg19) VCF-style: chr21-36164664-T-TGGTA.
Other names: NM_001754.5(RUNX1):c.1207_1210dup; p.His404fs; c.1126_1129dup, p.His377fs (NM_001001890.3); c.1207_1210dup (NM_001754.4); short protein forms H377fs, H404fs.
Identifiers: ClinVar variation 3365552 (VCV003365552.3).
Genomic context (GRCh38, chr21:34,792,367, plus strand): 5'-GAGCGCTCGCCGCCCACCATGGAGAACTGGTAGGAGCCGGCCGAGGCGCCGTAGTACAGG[T>TGGTA]GGTAGGAGGGCGAGCTGGCTTGGAACGGGCCTCCCTGCGCTTGCGACGAGCCGGGGTAGG-3'

ClinVar aggregate classification (germline): Likely pathogenic. Review status: reviewed by expert panel (3 of 4 stars). 2 submissions from 2 submitters: Likely pathogenic (1). 1 of the submissions does not count toward it. Last evaluated 2026-10-05.

Conditions:
Hereditary thrombocytopenia and hematologic cancer predisposition syndrome. Identifiers: Orphanet 71290, MedGen CN281654, MONDO:0011071.

Submissions (2):

ClinGen Myeloid Malignancy Variant Curation Expert Panel
Classification: Likely pathogenic for Hereditary thrombocytopenia and hematologic cancer predisposition syndrome. Last evaluated: 2026-10-05. Review status: reviewed by expert panel. Criteria: ClinGen MyeloMalig ACMG Specifications V3.1. Collection method: curation. Allele origin: germline. Inheritance: Autosomal dominant inheritance.
Comment: NM_001754.5(RUNX1):c.1207_1210dup (p.His404fs) is a frameshift variant which is not predicted to undergo NMD (PVS1_Strong). This variant is downstream of c.98 (PM5_Supporting) and is completely absent from all population databases with at least 20x coverage for RUNX1 (PM2_Supporting). In summary, this variant meets criteria to be classified as likely pathogenic. ACMG/AMP criteria applied, as specified by the ClinGen Myeloid Malignancy Variant Curation Expert Panel for RUNX1: PVS1_Strong, PM5_Supporting, PM2_Supporting.

GeneDx
Classification: Uncertain significance. Last evaluated: 2023-12-19. Review status: criteria provided, single submitter. Criteria: GeneDx Variant Classification Process June 2021. Collection method: clinical testing. Allele origin: germline. Affected: yes. Not counted in ClinVar's aggregate classification.
Comment: Frameshift variant predicted to result in abnormal protein length as the last 77 amino acids are replaced with 196 different amino acids; Has not been previously published as pathogenic or benign to our knowledge; Not observed at significant frequency in large population cohorts (gnomAD)